The following is an entry in ClinVar:

ClinVar aggregate classification (germline): Uncertain significance (1 of 4 stars; one submission).

Conditions:
Gastrointestinal stromal tumor. Also called: Gastrointestinal stromal tumor, somatic; Gastrointestinal stroma tumor. Identifiers: Orphanet 44890, MedGen C0238198, MeSH D046152, MONDO:0011719, OMIM 606764, HP:0100723.

Allele frequency attached by ClinVar (database versions not stated): gnomAD 0.00001.
gnomAD v4.1: 2 of 1,614,122 alleles (0.00012%); highest among the groups gnomAD compares: African/African-American, 0.0013%; no homozygotes.

Submission:

Labcorp Genetics (formerly Invitae), Labcorp
Classification: Uncertain significance for Gastrointestinal stromal tumor. Last evaluated: 2022-03-08. Review status: criteria provided, single submitter. Criteria: Invitae Variant Classification Sherloc (09022015). Collection method: clinical testing. Allele origin: germline.
Comment: This sequence change replaces threonine, which is neutral and polar, with asparagine, which is neutral and polar, at codon 98 of the KIT protein (p.Thr98Asn). This variant is not present in population databases (gnomAD no frequency). This variant has not been reported in the literature in individuals affected with KIT-related conditions. ClinVar contains an entry for this variant (Variation ID: 640828). Algorithms developed to predict the effect of missense changes on protein structure and function are either unavailable or do not agree on the potential impact of this missense change (SIFT: "Tolerated"; PolyPhen-2: "Possibly Damaging"; Align-GVGD: "Class C0"). In summary, the available evidence is currently insufficient to determine the role of this variant in disease. Therefore, it has been classified as a Variant of Uncertain Significance.

NM_000222.3(KIT):c.293C>A (p.Thr98Asn)

Gene: KIT (KIT proto-oncogene, receptor tyrosine kinase; plus strand). Cytogenetic location: 4q12.
Variant type: single nucleotide variant.
Coding change: c.293C>A on transcript NM_000222.3 (MANE Select); coding-DNA position 293, C replaced by A.
Protein change: p.Thr98Asn; replaces threonine 98 with asparagine.
Molecular consequence: missense variant.
Genome position (GRCh38, 1-based): chr4:54,695,737, C>A. VCF-style: chr4-54695737-C-A. GRCh37 (hg19) VCF-style: chr4-55561903-C-A.
Other names: c.293C>A, p.Thr98Asn (NM_001093772.2, NM_001385284.1, NM_001385285.1 and 4 more transcripts); short protein forms T98N.
Identifiers: ClinVar variation 640828 (VCV000640828.9), dbSNP rs1577953102, ClinGen allele CA356897261.